The following is an entry in ClinVar:

NM_001378454.1(ALMS1):c.12462+1del

Gene: ALMS1 (ALMS1 centrosome and basal body associated protein; plus strand). Cytogenetic location: 2p13.1.
Variant type: Deletion.
Coding change: c.12462+1del on transcript NM_001378454.1 (MANE Select); the canonical splice donor site of the intron after coding-DNA position 12462, one base deleted (G; older notation c.12462+1delG).
Molecular consequence: splice donor variant.
Genome position (GRCh38, 1-based): chr2:73,608,575, G deleted; the last of 2 consecutive G bases (chr2:73,608,574-73,608,575); deleting either gives the same sequence. VCF-style (leftmost placement, unchanged base first): chr2-73608573-AG-A. GRCh37 (hg19) VCF-style: chr2-73835700-AG-A.
Other names: NC_000002.11:g.73835702del; c.12465+1delG (NM_015120.4); c.12462+1del (NM_015120.4).
Identifiers: ClinVar variation 553572 (VCV000553572.9), dbSNP rs750907119, ClinGen allele CA1715586.

ClinVar aggregate classification (germline): Uncertain significance. Review status: criteria provided, multiple submitters, no conflicts (2 of 4 stars). 3 submissions from 3 submitters: Uncertain significance (2). 1 of the submissions does not count toward it. Last evaluated 2024-10-16.

Conditions:
Alstrom syndrome (ALMS). Identifiers: Orphanet 64, MedGen C0268425, MONDO:0008763, OMIM 203800.

Submissions (4):

Labcorp Genetics (formerly Invitae), Labcorp
Classification: Uncertain significance for Alstrom syndrome. Last evaluated: 2024-10-16. Review status: criteria provided, single submitter. Criteria: Invitae Variant Classification Sherloc (09022015). Collection method: clinical testing. Allele origin: germline.
Comment: This sequence change creates a premature translational stop signal (p.Arg4156Glufs*2) in the ALMS1 gene. While this is not anticipated to result in nonsense mediated decay, it is expected to disrupt the last 14 amino acid(s) of the ALMS1 protein. This variant is present in population databases (rs750907119, gnomAD 0.006%). This variant has not been reported in the literature in individuals affected with ALMS1-related conditions. This variant is also known as c.12465+1del. ClinVar contains an entry for this variant (Variation ID: 553572). Experimental studies and prediction algorithms are not available or were not evaluated, and the functional significance of this variant is currently unknown. Algorithms developed to predict the effect of sequence changes on RNA splicing suggest that this variant may disrupt the consensus splice site. In summary, the available evidence is currently insufficient to determine the role of this variant in disease. Therefore, it has been classified as a Variant of Uncertain Significance.

Blueprint Genetics
Classification: Uncertain significance. Last evaluated: 2022-10-10. Review status: criteria provided, single submitter. Criteria: ACMG Guidelines, 2015. Collection method: clinical testing. Allele origin: germline.

Counsyl
Classification: Likely pathogenic for Alstrom syndrome. Last evaluated: 2017-08-30. Review status: no assertion criteria provided. Collection method: clinical testing. Allele origin: unknown. Not counted in ClinVar's aggregate classification.

Dr. Peter K. Rogan Lab, Western University
No classification provided (evidence only). Condition: Nonpapillary renal cell carcinoma. Review status: no classification provided. Collection method: in vitro. Allele origin: not applicable. Functional consequence: skipped exon, retained intron. Not counted in ClinVar's aggregate classification.